The following is an entry in ClinVar:

ClinVar aggregate classification (germline): Uncertain significance (1 of 4 stars; one submission).

Allele frequency attached by ClinVar (database versions not stated): TOPMed 0.00001.
gnomAD v4.1: 1 of 1,613,764 alleles (0.000062%); highest among the groups gnomAD compares: Non-Finnish European, 0.000085%; no homozygotes.

Submission:

Labcorp Genetics (formerly Invitae), Labcorp
Classification: Uncertain significance. Last evaluated: 2022-06-10. Review status: criteria provided, single submitter. Criteria: Invitae Variant Classification Sherloc (09022015). Collection method: clinical testing. Allele origin: germline.
Comment: This variant is not present in population databases (gnomAD no frequency). This variant has not been reported in the literature in individuals affected with CDK5RAP2-related conditions. This sequence change replaces serine, which is neutral and polar, with asparagine, which is neutral and polar, at codon 400 of the CDK5RAP2 protein (p.Ser400Asn). In summary, the available evidence is currently insufficient to determine the role of this variant in disease. Therefore, it has been classified as a Variant of Uncertain Significance. Algorithms developed to predict the effect of missense changes on protein structure and function output the following: SIFT: "Tolerated"; PolyPhen-2: "Benign"; Align-GVGD: "Class C0". The asparagine amino acid residue is found in multiple mammalian species, which suggests that this missense change does not adversely affect protein function.

NM_018249.6(CDK5RAP2):c.1199G>A (p.Ser400Asn)

Gene: CDK5RAP2 (CDK5 regulatory subunit associated protein 2; minus strand). Cytogenetic location: 9q33.2.
Variant type: single nucleotide variant.
Coding change: c.1199G>A on transcript NM_018249.6 (MANE Select); coding-DNA position 1199, G replaced by A.
Protein change: p.Ser400Asn; replaces serine 400 with asparagine.
Molecular consequence: missense variant. On other transcripts: non-coding transcript variant (5).
Genome position (GRCh38, 1-based): chr9:120,518,539, C>T on the plus strand (G>A on the coding strand, the complement: CDK5RAP2 is on the minus strand). VCF-style: chr9-120518539-C-T. GRCh37 (hg19) VCF-style: chr9-123280817-C-T.
Other names: c.1199G>A, p.Ser400Asn (NM_001011649.3, NM_001272039.2, NM_001410992.1 and 2 more transcripts); short protein forms S400N.
Identifiers: ClinVar variation 2004305 (VCV002004305.4), dbSNP rs1312128419, ClinGen allele CA374699146.
Genomic context (GRCh38, chr9:120,518,539, plus strand): 5'-TTCTCCAGTCTCTCCCTCTCCTGCTGCAAGTCACTCAGCTCCTGGGTGATCTTCTTAATG[C>T]TTCTACGCAGTCTGTGGTTCTCTGTACTCTTGGTGAGGTTTTGTGAGCGCAGCGCAGCCG-3'
Protein context (NP_060719.4, residues 390-410): KSTENHRLRR[Ser400Asn]IKKITQELSD